The following is an entry in ClinVar:

NC_000020.10:g.(?_18516277)_(18516406_?)del

Gene: SEC23B (SEC23 homolog B, COPII component; plus strand). Cytogenetic location: 20p11.23.
Variant type: Deletion.
Identifiers: ClinVar variation 2425585 (VCV002425585.4).

ClinVar aggregate classification (germline): Uncertain significance (1 of 4 stars; one submission).

Conditions:
Congenital dyserythropoietic anemia, type II (CDAN2). Also called: DYSERYTHROPOIETIC ANEMIA, HEMPAS TYPE. Identifiers: Orphanet 98873, MedGen C1306589, MONDO:0009134, OMIM 224100.
Cowden syndrome 7 (CWS7). Identifiers: Orphanet 201, MedGen C4225179, MONDO:0014802, OMIM 616858.

Submission:

Labcorp Genetics (formerly Invitae), Labcorp
Classification: Uncertain significance for Congenital dyserythropoietic anemia, type II; Cowden syndrome 7. Last evaluated: 2022-08-16. Review status: criteria provided, single submitter. Criteria: Invitae Variant Classification Sherloc (09022015). Collection method: clinical testing. Allele origin: germline.
Comment: This variant is a gross deletion of the genomic region encompassing exon(s) 12 of the SEC23B gene. This variant would be expected to be in-frame, preserving the integrity of the reading frame. This variant has not been reported in the literature in individuals affected with SEC23B-related conditions. Experimental studies and prediction algorithms are not available or were not evaluated, and the functional significance of this variant is currently unknown. In summary, the available evidence is currently insufficient to determine the role of this variant in disease. Therefore, it has been classified as a Variant of Uncertain Significance.